The following is an entry in ClinVar:

ClinVar aggregate classification (germline): Uncertain significance (1 of 4 stars; one submission).

Conditions:
Inborn genetic diseases. Identifiers: MedGen C0950123, MeSH D030342.

Submission:

Ambry Genetics
Classification: Uncertain significance for Inborn genetic diseases. Last evaluated: 2025-06-23. Review status: criteria provided, single submitter. Criteria: Ambry Variant Classification Scheme 2023. Collection method: clinical testing. Allele origin: germline.
Comment: The p.A493T variant (also known as c.1477G>A), located in coding exon 9 of the FANCM gene, results from a G to A substitution at nucleotide position 1477. The alanine at codon 493 is replaced by threonine, an amino acid with similar properties. This amino acid position is conserved. In addition, this alteration is predicted to be tolerated by in silico analysis. Based on the available evidence, the clinical significance of this variant remains unclear.

NM_020937.4(FANCM):c.1477G>A (p.Ala493Thr)

Gene: FANCM (FA complementation group M; plus strand). Cytogenetic location: 14q21.2.
Variant type: single nucleotide variant.
Coding change: c.1477G>A on transcript NM_020937.4 (MANE Select); coding-DNA position 1477, G replaced by A.
Protein change: p.Ala493Thr; replaces alanine 493 with threonine.
Molecular consequence: missense variant.
Genome position (GRCh38, 1-based): chr14:45,159,176, G>A. VCF-style: chr14-45159176-G-A. GRCh37 (hg19) VCF-style: chr14-45628379-G-A.
Other names: c.1399G>A, p.Ala467Thr (NM_001308133.2); c.1477G>A, p.Ala493Thr (NM_001308134.2); short protein forms A493T, A467T.
Identifiers: ClinVar variation 4254538 (VCV004254538.1).